The following is an entry in ClinVar:

NM_001161403.3(LIMS2):c.431A>G (p.His144Arg)

Gene: LIMS2 (LIM zinc finger domain containing 2; minus strand). Cytogenetic location: 2q14.3.
Variant type: single nucleotide variant.
Coding change: c.431A>G on transcript NM_001161403.3 (MANE Select); coding-DNA position 431, A replaced by G.
Protein change: p.His144Arg; replaces histidine 144 with arginine.
Molecular consequence: missense variant. On other transcripts: 5 prime UTR variant (1).
Genome position (GRCh38, 1-based): chr2:127,643,001, T>C on the plus strand (A>G on the coding strand, the complement: LIMS2 is on the minus strand). VCF-style: chr2-127643001-T-C. GRCh37 (hg19) VCF-style: chr2-128400576-T-C.
Other names: c.497A>G, p.His166Arg (NM_001136037.4); c.416A>G, p.His139Arg (NM_001161404.2); c.-26A>G (NM_001256542.2); c.503A>G, p.His168Arg (NM_017980.5); short protein forms H139R, H166R, H168R, H144R.
Identifiers: ClinVar variation 1381330 (VCV001381330.8), dbSNP rs780102756, ClinGen allele CA55427745.
Genomic context (GRCh38, chr2:127,643,001, plus strand): 5'-AAGTGGTCAGGGTGGTAGGCGTCGCTCCTGAACATGAGGGGCTGCTCGTCGATGACCAGG[T>C]GGCACCGCTGGCAGATGTACTTGCCCAGGCCCTTGGCCTTCTCACGGTTGTGGCAAGGCC-3'
Protein context (NP_001154875.1, residues 134-154): GLGKYICQRC[His144Arg]LVIDEQPLMF

ClinVar aggregate classification (germline): Uncertain significance (1 of 4 stars; one submission).

Conditions:
Autosomal recessive limb-girdle muscular dystrophy type 2W (MDRCMTT). Also called: Muscular dystrophy, autosomal recessive, with cardiomyopathy and triangular tongue; Muscular dystrophy, limb-girdle, type 2W. Identifiers: MedGen C4225192, MONDO:0014788, OMIM 616827.

Allele frequency attached by ClinVar (database versions not stated): gnomAD exomes 0.00001 and 0.00008; TOPMed 0.00002.
gnomAD v4.1: 110 of 1,578,864 alleles (0.007%); highest among the groups gnomAD compares: Non-Finnish European, 0.0095%; no homozygotes.

Submission:

Labcorp Genetics (formerly Invitae), Labcorp
Classification: Uncertain significance for Autosomal recessive limb-girdle muscular dystrophy type 2W. Last evaluated: 2022-07-06. Review status: criteria provided, single submitter. Criteria: Invitae Variant Classification Sherloc (09022015). Collection method: clinical testing. Allele origin: germline.
Comment: The frequency data for this variant in the population databases is considered unreliable, as metrics indicate poor data quality at this position in the gnomAD database. This sequence change replaces histidine, which is basic and polar, with arginine, which is basic and polar, at codon 166 of the LIMS2 protein (p.His166Arg). This variant has not been reported in the literature in individuals affected with LIMS2-related conditions. ClinVar contains an entry for this variant (Variation ID: 1381330). Algorithms developed to predict the effect of missense changes on protein structure and function are either unavailable or do not agree on the potential impact of this missense change (SIFT: "Tolerated"; PolyPhen-2: "Possibly Damaging"; Align-GVGD: "Class C0"). In summary, the available evidence is currently insufficient to determine the role of this variant in disease. Therefore, it has been classified as a Variant of Uncertain Significance.